The following is an entry in ClinVar:

ClinVar aggregate classification (germline): Uncertain significance (1 of 4 stars; one submission).

Conditions:
Myopathy, proximal, and ophthalmoplegia (CMYO6). Also called: CONGENITAL MYOPATHY 6 WITH OPHTHALMOPLEGIA; MYOPATHY WITH CONGENITAL JOINT CONTRACTURES, OPHTHALMOPLEGIA, AND RIMMED VACUOLES; INCLUSION BODY MYOPATHY 3, AUTOSOMAL DOMINANT. Identifiers: Orphanet 363677, Orphanet 79091, MedGen C1854106, MONDO:0011577, OMIM 605637.

Allele frequency attached by ClinVar (database versions not stated): TOPMed below 0.00001.
gnomAD v4.1: 2 of 1,614,142 alleles (0.00012%); highest among the groups gnomAD compares: Non-Finnish European, 0.00017%; no homozygotes.

Submission:

Labcorp Genetics (formerly Invitae), Labcorp
Classification: Uncertain significance for Myopathy, proximal, and ophthalmoplegia. Last evaluated: 2023-07-17. Review status: criteria provided, single submitter. Criteria: Invitae Variant Classification Sherloc (09022015). Collection method: clinical testing. Allele origin: germline.
Comment: Advanced modeling of protein sequence and biophysical properties (such as structural, functional, and spatial information, amino acid conservation, physicochemical variation, residue mobility, and thermodynamic stability) performed at Invitae indicates that this missense variant is expected to disrupt MYH2 protein function. In summary, the available evidence is currently insufficient to determine the role of this variant in disease. Therefore, it has been classified as a Variant of Uncertain Significance. ClinVar contains an entry for this variant (Variation ID: 1489562). This variant has not been reported in the literature in individuals affected with MYH2-related conditions. This variant is not present in population databases (gnomAD no frequency). This sequence change replaces asparagine, which is neutral and polar, with aspartic acid, which is acidic and polar, at codon 823 of the MYH2 protein (p.Asn823Asp).

NM_017534.6(MYH2):c.2467A>G (p.Asn823Asp)

Genes: MYH2 (myosin heavy chain 2; minus strand), MYHAS (myosin heavy chain gene cluster antisense RNA; plus strand). Cytogenetic location: 17p13.1.
Variant type: single nucleotide variant.
Coding change: c.2467A>G on transcript NM_017534.6 (MANE Select); coding-DNA position 2467, A replaced by G.
Protein change: p.Asn823Asp; replaces asparagine 823 with aspartic acid.
Molecular consequence: missense variant.
Genome position (GRCh38, 1-based): chr17:10,531,863, T>C on the plus strand (A>G on the coding strand, the complement: MYH2 is on the minus strand). VCF-style: chr17-10531863-T-C. GRCh37 (hg19) VCF-style: chr17-10435180-T-C.
Other names: c.2467A>G, p.Asn823Asp (NM_001100112.2); short protein forms N823D.
Identifiers: ClinVar variation 1489562 (VCV001489562.6), dbSNP rs2073428486, ClinGen allele CA398146678.